The following is an entry in ClinVar:

NM_002496.4(NDUFS8):c.597C>T (p.Ile199=)

Gene: NDUFS8 (NADH:ubiquinone oxidoreductase core subunit S8; plus strand). Cytogenetic location: 11q13.2.
Variant type: single nucleotide variant.
Coding change: c.597C>T on transcript NM_002496.4 (MANE Select); coding-DNA position 597, C replaced by T.
Protein change: p.Ile199=; no amino-acid change (isoleucine 199 retained).
Molecular consequence: synonymous variant.
Genome position (GRCh38, 1-based): chr11:68,036,557, C>T. VCF-style: chr11-68036557-C-T. GRCh37 (hg19) VCF-style: chr11-67804024-C-T.
Identifiers: ClinVar variation 305772 (VCV000305772.36), dbSNP rs1804688, ClinGen allele CA6146575.
Genomic context (GRCh38, chr11:68,036,557, plus strand): 5'-GGAGCTGCTGTACAACAAGGAGAAGTTGCTCAACAACGGGGACAAGTGGGAGGCCGAGAT[C>T]GCCGCCAACATCCAGGCTGACTACTTGTATCGGTGACGCCCCACCGGCCCGCAGCCCCTG-3'
Protein context (NP_002487.1, residues 189-209): LNNGDKWEAE[Ile199=]AANIQADYLY

ClinVar aggregate classification (germline): Conflicting classifications of pathogenicity. Review status: criteria provided, conflicting classifications (1 of 4 stars). 6 submissions from 5 submitters: Uncertain significance (2); Benign (1); Likely benign (3). Last evaluated 2025-11-26.

Conditions:
Leigh syndrome (NULS). Also called: Leigh's syndrome; Leigh's necrotizing encephalopathy; Leigh's disease; Subacute necrotizing encephalopathy; Necrotizing encephalopathy infantile subacute of Leigh; Leigh Syndrome (mtDNA deletion). Identifiers: Orphanet 506, MedGen C2931891, MONDO:0009723, OMIM 256000.
Mitochondrial complex I deficiency, nuclear type 1. Also called: NADH-COENZYME Q REDUCTASE DEFICIENCY; MITOCHONDRIAL NADH DEHYDROGENASE COMPONENT OF COMPLEX I, DEFICIENCY OF. Identifiers: MedGen C6022305, MONDO:0100224, OMIM 252010.

Allele frequency attached by ClinVar (database versions not stated): gnomAD 0.00006 and 0.00015; TOPMed 0.00007; 1000 Genomes Project 30x 0.00016; 1000 Genomes Project 0.00020; gnomAD exomes 0.00032.
gnomAD v4.1: 483 of 1,614,058 alleles (0.03%); highest among the groups gnomAD compares: South Asian, 0.44%; 9 homozygotes.

Submissions (6):

Labcorp Genetics (formerly Invitae), Labcorp
Classification: Benign. Last evaluated: 2025-11-26. Review status: criteria provided, single submitter. Criteria: Invitae Variant Classification Sherloc (09022015). Collection method: clinical testing. Allele origin: germline.

Blueprint Genetics
Classification: Likely benign. Last evaluated: 2024-09-12. Review status: criteria provided, single submitter. Criteria: ACMG Guidelines, 2015. Collection method: clinical testing. Allele origin: germline.

CeGaT Center for Human Genetics Tuebingen
Classification: Likely benign. Last evaluated: 2023-10-01. Review status: criteria provided, single submitter. Criteria: CeGaT Center For Human Genetics Tuebingen Variant Classification Criteria Version 2. Collection method: clinical testing. Allele origin: germline. Affected: yes. Observed: 2 variant alleles.
Comment: NDUFS8: BP4, BP7, BS2

GeneDx
Classification: Likely benign. Last evaluated: 2020-03-13. Review status: criteria provided, single submitter. Criteria: GeneDx Variant Classification Process June 2021. Collection method: clinical testing. Allele origin: germline. Affected: yes.

Illumina Laboratory Services, Illumina
Classification: Uncertain significance for Leigh syndrome. Last evaluated: 2018-01-12. Review status: criteria provided, single submitter. Criteria: ICSL Variant Classification Criteria 13 December 2019. Collection method: clinical testing. Allele origin: germline.

Illumina Laboratory Services, Illumina
Classification: Uncertain significance for Mitochondrial complex I deficiency, nuclear type 1. Last evaluated: 2018-01-12. Review status: criteria provided, single submitter. Criteria: ICSL Variant Classification Criteria 13 December 2019. Collection method: clinical testing. Allele origin: germline.